The following is an entry in ClinVar:

ClinVar aggregate classification (germline): Conflicting classifications of pathogenicity. Review status: criteria provided, conflicting classifications (1 of 4 stars). 2 submissions from 2 submitters: Uncertain significance (1); Benign (1). Last evaluated 2025-10-28.

Conditions:
Ehlers-Danlos syndrome, classic type, 1 (EDSCL1). Also called: Ehlers-Danlos syndrome, type 1; EHLERS-DANLOS SYNDROME, GRAVIS TYPE; EHLERS-DANLOS SYNDROME, SEVERE CLASSIC TYPE; EDS I; Ehlers-Danlos Syndrome, Classic Type, COL5A1-Related. Identifiers: MedGen C0268335, MONDO:0019567, OMIM 130000.

Allele frequency attached by ClinVar (database versions not stated): TOPMed 0.00002; gnomAD exomes 0.00002; ESP Exome Variant Server 0.00008.
gnomAD v4.1: 30 of 1,610,714 alleles (0.0019%); highest among the groups gnomAD compares: Non-Finnish European, 0.0025%; no homozygotes.

Submissions (2):

Women's Health and Genetics/Laboratory Corporation of America, LabCorp
Classification: Uncertain significance. Last evaluated: 2025-10-28. Review status: criteria provided, single submitter. Criteria: LabCorp Variant Classification Summary - May 2015. Collection method: clinical testing. Allele origin: germline.
Comment: Variant summary: COL5A1 c.453C>G (p.Asp151Glu) results in a conservative amino acid change in the encoded protein sequence. Algorithms developed to predict the effect of missense changes on protein structure and function all suggest that this variant is likely to be tolerated. The variant allele was found at a frequency of 1.9e-05 in 1610714 control chromosomes, predominantly at a frequency of 2.5e-05 within the Non-Finnish European subpopulation in the gnomAD database. This frequency is not significantly higher than estimated for disease-causing variants in COL5A1, allowing no conclusion about variant significance. To our knowledge, no occurrence of c.453C>G in individuals affected with COL5A1-related conditions and no experimental evidence demonstrating its impact on protein function have been reported. ClinVar contains an entry for this variant (Variation ID: 947835). Based on the evidence outlined above, the variant was classified as uncertain significance.

Labcorp Genetics (formerly Invitae), Labcorp
Classification: Benign for Ehlers-Danlos syndrome, classic type, 1. Last evaluated: 2025-05-22. Review status: criteria provided, single submitter. Criteria: Invitae Variant Classification Sherloc (09022015). Collection method: clinical testing. Allele origin: germline.

NM_000093.5(COL5A1):c.453C>G (p.Asp151Glu)

Gene: COL5A1 (collagen type V alpha 1 chain; plus strand). Cytogenetic location: 9q34.3.
Variant type: single nucleotide variant.
Coding change: c.453C>G on transcript NM_000093.5 (MANE Select); coding-DNA position 453, C replaced by G.
Protein change: p.Asp151Glu; replaces aspartic acid 151 with glutamic acid.
Molecular consequence: missense variant.
Genome position (GRCh38, 1-based): chr9:134,700,084, C>G. VCF-style: chr9-134700084-C-G. GRCh37 (hg19) VCF-style: chr9-137591930-C-G.
Other names: c.453C>G, p.Asp151Glu (NM_001278074.1); short protein forms D151E.
Identifiers: ClinVar variation 947835 (VCV000947835.12), dbSNP rs373089071, ClinGen allele CA5318302.